The following is an entry in ClinVar:

NM_000049.4(ASPA):c.548C>A (p.Pro183His)

Genes: ASPA (aspartoacylase; plus strand), SPATA22 (spermatogenesis associated 22; minus strand). Cytogenetic location: 17p13.2.
Variant type: single nucleotide variant.
Coding change: c.548C>A on transcript NM_000049.4 (MANE Select); coding-DNA position 548, C replaced by A.
Protein change: p.Pro183His; replaces proline 183 with histidine.
Molecular consequence: missense variant. On other transcripts: intron variant (2).
Genome position (GRCh38, 1-based): chr17:3,489,256, C>A. VCF-style: chr17-3489256-C-A. GRCh37 (hg19) VCF-style: chr17-3392550-C-A.
Other names: c.548C>A, p.Pro183His (NM_001128085.1); c.-73-19858G>T (NM_001321336.2, NM_001321337.2); short protein forms P183H.
Identifiers: ClinVar variation 554010 (VCV000554010.12), dbSNP rs1555539857, ClinGen allele CA397684478.
Genomic context (GRCh38, chr17:3,489,256, plus strand): 5'-TACTTATATAAATGTGACTATCTCTCCTTCTGTACCTAGGTATAGAAGTTGGTCCTCAGC[C>A]TCAAGGGGTTCTGAGAGCTGATATCTTGGATCAAATGAGAAAAATGATTAAACATGCTCT-3'
Protein context (NP_000040.1, residues 173-193): YPVGIEVGPQ[Pro183His]QGVLRADILD

ClinVar aggregate classification (germline): Pathogenic/Likely pathogenic. Review status: criteria provided, multiple submitters, no conflicts (2 of 4 stars). 3 submissions from 3 submitters: Pathogenic (1); Likely pathogenic (1). 1 of the submissions does not count toward it. Last evaluated 2025-03-31.

Conditions:
Spongy degeneration of central nervous system. Also called: Canavan disease; Von Bogaert-Bertrand disease; ACY2 DEFICIENCY; AMINOACYLASE 2 DEFICIENCY; ASP DEFICIENCY; ASPA DEFICIENCY. Identifiers: Orphanet 141, MedGen C0206307, MONDO:0010079, OMIM 271900.

Submissions (3):

Natera, Inc.
Classification: Likely pathogenic for Canavan Disease. Last evaluated: 2025-03-31. Review status: criteria provided, single submitter. Criteria: Natera Variant Classification Schema (03/2026). Collection method: clinical testing. Allele origin: germline.
Comment: The c.548C>A variant in ASPA is a missense variant predicted to cause substitution of proline to histidine at amino acid 183. This variant is rare in the general population with a frequency below the threshold expected for the associated phenotype(s). This variant has been observed in one or more individuals affected with the associated recessive disease, as either homozygous or compound heterozygous with a second variant (PMID: 26586007, 23253610). Functional studies show that this variant may disrupt protein function (PMID: 17391648). Computational prediction algorithms indicate this variant is likely to affect gene or protein function. Given the available evidence, this variant is classified as Likely Pathogenic.

Labcorp Genetics (formerly Invitae), Labcorp
Classification: Pathogenic for Spongy degeneration of central nervous system. Last evaluated: 2024-11-11. Review status: criteria provided, single submitter. Criteria: Invitae Variant Classification Sherloc (09022015). Collection method: clinical testing. Allele origin: germline.
Comment: This sequence change replaces proline, which is neutral and non-polar, with histidine, which is basic and polar, at codon 183 of the ASPA protein (p.Pro183His). This variant is not present in population databases (gnomAD no frequency). This missense change has been observed in individual(s) with ASPA-related conditions (PMID: 10407784, 26586007). In at least one individual the data is consistent with being in trans (on the opposite chromosome) from a pathogenic variant. ClinVar contains an entry for this variant (Variation ID: 554010). Invitae Evidence Modeling of protein sequence and biophysical properties (such as structural, functional, and spatial information, amino acid conservation, physicochemical variation, residue mobility, and thermodynamic stability) indicates that this missense variant is expected to disrupt ASPA protein function with a positive predictive value of 95%. For these reasons, this variant has been classified as Pathogenic.

Counsyl
Classification: Likely pathogenic for Spongy degeneration of central nervous system. Last evaluated: 2017-09-21. Review status: no assertion criteria provided. Collection method: clinical testing. Allele origin: unknown. Not counted in ClinVar's aggregate classification.

Literature cited by the submitters: PubMed 26586007 (cited by 3 submitters); PubMed 23253610 (cited by Natera, Inc. and Counsyl); PubMed 17391648 (cited by Natera, Inc. and Counsyl); PubMed 10407784 (cited by Labcorp Genetics (formerly Invitae), Labcorp and Counsyl).